The following is an entry in ClinVar:

ClinVar aggregate classification (germline): Uncertain significance. Review status: criteria provided, multiple submitters, no conflicts (2 of 4 stars). 2 submissions from 2 submitters: Uncertain significance (2). Last evaluated 2023-11-27.

Conditions:
Symmetrical dyschromatosis of extremities (DSH). Also called: RETICULATE ACROPIGMENTATION OF DOHI; SYMMETRIC DYSCHROMATOSIS OF THE EXTREMITIES; Dyschromatosis symmetrica hereditaria; DYSCHROMATOSIS SYMMETRICA HEREDITARIA 1. Identifiers: Orphanet 41, MedGen C0406775, MONDO:0007483, OMIM 127400.
Aicardi-Goutieres syndrome 6 (AGS6). Identifiers: Orphanet 51, MedGen C3539013, MONDO:0014007, OMIM 615010.

Submissions (2):

Labcorp Genetics (formerly Invitae), Labcorp
Classification: Uncertain significance for Aicardi-Goutieres syndrome 6; Symmetrical dyschromatosis of extremities. Last evaluated: 2023-11-27. Review status: criteria provided, single submitter. Criteria: Invitae Variant Classification Sherloc (09022015). Collection method: clinical testing. Allele origin: germline.
Comment: This variant, c.658_804del, results in the deletion of 49 amino acid(s) of the ADAR protein (p.Ala220_Gly268del), but otherwise preserves the integrity of the reading frame. This variant is not present in population databases (gnomAD no frequency). This variant has not been reported in the literature in individuals affected with ADAR-related conditions. ClinVar contains an entry for this variant (Variation ID: 2500617). In summary, the available evidence is currently insufficient to determine the role of this variant in disease. Therefore, it has been classified as a Variant of Uncertain Significance.

GeneDx
Classification: Uncertain significance. Last evaluated: 2022-10-31. Review status: criteria provided, single submitter. Criteria: GeneDx Variant Classification Process June 2021. Collection method: clinical testing. Allele origin: germline. Affected: yes.
Comment: Not observed at significant frequency in large population cohorts (gnomAD); In-frame deletion of 49 amino acids in a non-repeat region; Has not been previously published as pathogenic or benign to our knowledge

NM_001111.5(ADAR):c.658_804del (p.Ala220_Gly268del)

Gene: ADAR (adenosine deaminase RNA specific; minus strand). Cytogenetic location: 1q21.3.
Variant type: Deletion.
Coding change: c.658_804del on transcript NM_001111.5 (MANE Select); coding-DNA positions 658 to 804, 147 bases deleted.
Protein change: p.Ala220_Gly268del.
Molecular consequence: inframe deletion. On other transcripts: 5 prime UTR variant (6).
Genome position (GRCh38, 1-based): chr1:154,601,838-154,601,984, 147 bases deleted. GRCh37 (hg19): chr1:154,574,328-154,574,474.
Other names: c.-228_-82del (NM_001025107.3, NM_001193495.2, NM_001365046.1 and 3 more transcripts); c.685_831del, p.Ala229_Gly277del (NM_001365045.1); c.658_804del, p.Ala220_Gly268del (NM_015840.4, NM_015841.4).
Identifiers: ClinVar variation 2500617 (VCV002500617.4), dbSNP rs2526658660, ClinGen allele CA2580061182.